The following is an entry in ClinVar:

ClinVar aggregate classification (germline): Uncertain significance (1 of 4 stars; one submission).

Submission:

Labcorp Genetics (formerly Invitae), Labcorp
Classification: Uncertain significance. Last evaluated: 2025-09-12. Review status: criteria provided, single submitter. Criteria: Invitae Variant Classification Sherloc (09022015). Collection method: clinical testing. Allele origin: germline.
Comment: This sequence change replaces glycine, which is neutral and non-polar, with leucine, which is neutral and non-polar, at codon 245 of the LZTR1 protein (p.Gly245Leu). Information on the frequency of this variant in the gnomAD database is not available, as this variant may be reported differently in the database. This variant has not been reported in the literature in individuals affected with LZTR1-related conditions. An algorithm developed to predict the effect of missense changes on protein structure and function (PolyPhen-2) suggests that this variant is likely to be disruptive. In summary, the available evidence is currently insufficient to determine the role of this variant in disease. Therefore, it has been classified as a Variant of Uncertain Significance.

NM_006767.4(LZTR1):c.733_734delinsTT (p.Gly245Leu)

Gene: LZTR1 (leucine zipper like post translational regulator 1; plus strand). Cytogenetic location: 22q11.21.
Variant type: Indel.
Coding change: c.733_734delinsTT on transcript NM_006767.4 (MANE Select); coding-DNA positions 733 to 734, GG replaced by TT.
Protein change: p.Gly245Leu; replaces glycine 245 with leucine.
Molecular consequence: missense variant.
Genome position (GRCh38, 1-based): chr22:20,990,467-20,990,468, GG replaced by TT. VCF-style: chr22-20990467-GG-TT. GRCh37 (hg19) VCF-style: chr22-21344756-GG-TT.
Other names: short protein forms G245L.
Identifiers: ClinVar variation 4727057 (VCV004727057.1).